The following is an entry in ClinVar:

NM_021098.3(CACNA1H):c.3577_3578delinsTA (p.Leu1193Ter)

Gene: CACNA1H (calcium voltage-gated channel subunit alpha1 H; plus strand). Cytogenetic location: 16p13.3.
Variant type: Indel.
Coding change: c.3577_3578delinsTA on transcript NM_021098.3 (MANE Select); coding-DNA positions 3577 to 3578, CT replaced by TA.
Protein change: p.Leu1193Ter; replaces leucine 1193 with a stop codon.
Molecular consequence: nonsense.
Genome position (GRCh38, 1-based): chr16:1,209,245-1,209,246, CT replaced by TA. VCF-style: chr16-1209245-CT-TA. GRCh37 (hg19) VCF-style: chr16-1259245-CT-TA.
Other names: c.3577_3578delinsTA, p.Leu1193Ter (NM_001005407.2); short protein forms L1193*.
Identifiers: ClinVar variation 2036272 (VCV002036272.4), dbSNP rs2548691069, ClinGen allele CA2580090433.

ClinVar aggregate classification (germline): Uncertain significance (1 of 4 stars; one submission).

Conditions:
Hyperaldosteronism, familial, type IV (HALD4). Also called: FH IV; ALDOSTERONISM, PRIMARY, AND HYPERTENSION. Identifiers: Orphanet 642671, MedGen C4310756, MONDO:0014875, OMIM 617027.
Idiopathic generalized epilepsy. Also called: Generalised epilepsy; EIG. Identifiers: MedGen C0270850, MONDO:0005579, OMIM 600669.

Submission:

Labcorp Genetics (formerly Invitae), Labcorp
Classification: Uncertain significance for Idiopathic generalized epilepsy; Hyperaldosteronism, familial, type IV. Last evaluated: 2024-02-26. Review status: criteria provided, single submitter. Criteria: Invitae Variant Classification Sherloc (09022015). Collection method: clinical testing. Allele origin: germline.
Comment: This sequence change creates a premature translational stop signal (p.Leu1193*) in the CACNA1H gene. It is expected to result in an absent or disrupted protein product. However, the current clinical and genetic evidence is not sufficient to establish whether loss-of-function variants in CACNA1H cause disease. Information on the frequency of this variant in the gnomAD database is not available, as this variant may be reported differently in the database. This variant has not been reported in the literature in individuals affected with CACNA1H-related conditions. ClinVar contains an entry for this variant (Variation ID: 2036272). In summary, the available evidence is currently insufficient to determine the role of this variant in disease. Therefore, it has been classified as a Variant of Uncertain Significance.